The following is an entry in ClinVar:

ClinVar aggregate classification (germline): Benign/Likely benign. Review status: criteria provided, multiple submitters, no conflicts (2 of 4 stars). 3 submissions from 3 submitters: Benign (1); Likely benign (2). Last evaluated 2026-04-26.

Conditions:
Familial cancer of breast. Also called: BREAST CANCER, FAMILIAL; Hereditary breast cancer; hereditary breast carcinoma. Identifiers: Orphanet 227535, MedGen C0346153, MONDO:0016419, OMIM 114480. Disease mechanism: loss of function.
Hereditary cancer-predisposing syndrome. Also called: Neoplastic Syndromes, Hereditary; Tumor predisposition; Hereditary Cancer Syndrome; Hereditary neoplastic syndrome. Identifiers: Orphanet 140162, MedGen C0027672, MeSH D009386, MONDO:0015356.

gnomAD v4.1: 2 of 1,613,948 alleles (0.00012%); highest among the groups gnomAD compares: Admixed American, 0.0033%; no homozygotes.

Submissions (3):

Ambry Genetics
Classification: Likely benign for Hereditary cancer-predisposing syndrome. Last evaluated: 2026-04-26. Review status: criteria provided, single submitter. Criteria: Ambry Variant Classification Scheme 2023. Collection method: clinical testing. Allele origin: germline.

Labcorp Genetics (formerly Invitae), Labcorp
Classification: Likely benign for Familial cancer of breast. Last evaluated: 2025-03-16. Review status: criteria provided, single submitter. Criteria: Invitae Variant Classification Sherloc (09022015). Collection method: clinical testing. Allele origin: germline.

Myriad Genetics, Inc.
Classification: Benign for Familial cancer of breast. Last evaluated: 2024-07-26. Review status: criteria provided, single submitter. Criteria: Myriad Autosomal Dominant, Autosomal Recessive and X-Linked Classification Criteria (2023). Collection method: clinical testing. Allele origin: unknown.
Comment: This variant is considered benign. This variant is a silent/synonymous amino acid change and it is not expected to impact splicing.

NM_000465.4(BARD1):c.1776T>G (p.Leu592=)

Gene: BARD1 (BRCA1 associated RING domain 1; minus strand). Cytogenetic location: 2q35.
Variant type: single nucleotide variant.
Coding change: c.1776T>G on transcript NM_000465.4 (MANE Select); coding-DNA position 1776, T replaced by G.
Protein change: p.Leu592=; no amino-acid change (leucine 592 retained).
Molecular consequence: synonymous variant. On other transcripts: non-coding transcript variant (3), intron variant (1).
Genome position (GRCh38, 1-based): chr2:214,745,756, A>C on the plus strand (T>G on the coding strand, the complement: BARD1 is on the minus strand). VCF-style: chr2-214745756-A-C. GRCh37 (hg19) VCF-style: chr2-215610480-A-C.
Other names: c.1776T>G (NM_000465.2); c.1719T>G, p.Leu573= (NM_001282543.2); c.423T>G, p.Leu141= (NM_001282545.2); c.366T>G, p.Leu122= (NM_001282548.2); c.365-15248T>G (NM_001282549.2).
Identifiers: ClinVar variation 3378873 (VCV003378873.3).